The following is an entry in ClinVar:

ClinVar aggregate classification (germline): Conflicting classifications of pathogenicity. Review status: criteria provided, conflicting classifications (1 of 4 stars). 17 submissions from 13 submitters: Uncertain significance (9); Benign (1); Likely benign (7). Last evaluated 2026-04-01.

Conditions:
TTN-related disorder. Also called: TTN-related disorders; TTN-related condition; TTN-related disease.
Cardiovascular phenotype. Identifiers: MedGen CN230736.
Dilated cardiomyopathy 1G (CMD1G). Identifiers: Orphanet 154, MedGen C1858763, MONDO:0011400, OMIM 604145.
Autosomal recessive limb-girdle muscular dystrophy type 2J (LGMDR10). Also called: Limb-girdle muscular dystrophy, type 2J; MUSCULAR DYSTROPHY, LIMB-GIRDLE, AUTOSOMAL RECESSIVE 10. Identifiers: Orphanet 140922, MedGen C1837342, MONDO:0012127, OMIM 608807.
Early-onset myopathy with fatal cardiomyopathy (CMYO5). Also called: CONGENITAL MYOPATHY 5 WITH CARDIOMYOPATHY; Salih Myopathy. Identifiers: Orphanet 289377, MedGen C2673677, MONDO:0012714, OMIM 611705. Disease mechanism: loss of function.
Myopathy, myofibrillar, 9, with early respiratory failure (MFM9). Also called: Hereditary myopathy with early respiratory failure; MYOPATHY, PROXIMAL, WITH EARLY RESPIRATORY MUSCLE INVOLVEMENT; EDSTROM MYOPATHY; Myopathy, distal, with early respiratory failure, autosomal dominant. Identifiers: Orphanet 178464, Orphanet 34521, MedGen C1863599, MONDO:0011362, OMIM 603689.
Tibial muscular dystrophy (TMD). Also called: UDD MYOPATHY; Tibial muscular dystrophy, tardive; Udd Distal Myopathy – Tibial Muscular Dystrophy. Identifiers: Orphanet 609, MedGen C1838244, MONDO:0010870, OMIM 600334.

Allele frequency attached by ClinVar (database versions not stated): 1000 Genomes Project 30x 0.00016; ExAC 0.00019; 1000 Genomes Project 0.00020; gnomAD exomes 0.00029 and 0.00074; ESP Exome Variant Server 0.00033; gnomAD 0.00043 and 0.00045; TOPMed 0.00045.
gnomAD v4.1: 1,137 of 1,613,406 alleles (0.07%); highest among the groups gnomAD compares: Non-Finnish European, 0.088%; no homozygotes.

Submissions (17):

CeGaT Center for Human Genetics Tuebingen
Classification: Uncertain significance. Last evaluated: 2026-04-01. Review status: criteria provided, single submitter. Criteria: CeGaT Center For Human Genetics Tuebingen Variant Classification Criteria Version 2. Collection method: clinical testing. Allele origin: germline. Affected: yes. Observed: 2 variant alleles.
Comment: TTN: PM2, BP4

Women's Health and Genetics/Laboratory Corporation of America, LabCorp
Classification: Uncertain significance. Last evaluated: 2025-06-23. Review status: criteria provided, single submitter. Criteria: LabCorp Variant Classification Summary - May 2015. Collection method: clinical testing. Allele origin: germline.
Comment: Variant summary: TTN c.76444A>G (p.Ile25482Val) results in a conservative amino acid change located in the A-band region of the encoded protein sequence. Algorithms developed to predict the effect of missense changes on protein structure and function all suggest that this variant is likely to be tolerated. The variant allele was found at a frequency of 0.00029 in 247830 control chromosomes. This frequency is not significantly higher than estimated for a pathogenic variant in TTN causing Limb-Girdle Muscular Dystrophy, Type 2J, allowing no conclusion about variant significance. c.76444A>G has been reported in the literature in individuals affected with Sudden Unexplained Death/Sudden Infant Death (Campuzano_2015, Campuzano_2018). These report(s) do not provide unequivocal conclusions about association of the variant with Limb-Girdle Muscular Dystrophy, Type 2J. To our knowledge, no experimental evidence demonstrating an impact on protein function has been reported. The following publications have been ascertained in the context of this evaluation (PMID: 30086531, 26516846). ClinVar contains an entry for this variant (Variation ID: 178183). Based on the evidence outlined above, the variant was classified as uncertain significance.

PreventionGenetics, part of Exact Sciences
Classification: Likely benign for TTN-related condition. Last evaluated: 2025-04-16. Review status: criteria provided, single submitter. Criteria: ACMG Guidelines, 2015. Collection method: clinical testing. Allele origin: germline.
Comment: This variant is classified as likely benign based on ACMG/AMP sequence variant interpretation guidelines (Richards et al. 2015 PMID: 25741868, with internal and published modifications).

Molecular Diagnostic Laboratory for Inherited Cardiovascular Disease, Montreal Heart Institute
Classification: Likely benign. Last evaluated: 2025-04-09. Review status: criteria provided, single submitter. Criteria: ACMG Guidelines, 2015. Collection method: clinical testing. Allele origin: germline. Affected: no.

Revvity Omics, Revvity
Classification: Uncertain significance. Last evaluated: 2025-02-03. Review status: criteria provided, single submitter. Criteria: ACMG Guidelines, 2015. Collection method: clinical testing. Allele origin: germline.

Blueprint Genetics
Classification: Likely benign. Last evaluated: 2024-11-25. Review status: criteria provided, single submitter. Criteria: ACMG Guidelines, 2015. Collection method: clinical testing. Allele origin: germline.

GeneDx
Classification: Likely benign. Last evaluated: 2020-12-15. Review status: criteria provided, single submitter. Criteria: GeneDx Variant Classification Process June 2021. Collection method: clinical testing. Allele origin: germline. Affected: yes.
Comment: This variant is associated with the following publications: (PMID: 23861362)

Ambry Genetics
Classification: Likely benign for Cardiovascular phenotype. Last evaluated: 2018-11-28. Review status: criteria provided, single submitter. Criteria: Ambry Variant Classification Scheme 2023. Collection method: clinical testing. Allele origin: germline.

Illumina Laboratory Services, Illumina
Classification: Uncertain significance for Dilated cardiomyopathy 1G. Last evaluated: 2018-01-13. Review status: criteria provided, single submitter. Criteria: ICSL Variant Classification Criteria 13 December 2019. Collection method: clinical testing. Allele origin: germline.

Illumina Laboratory Services, Illumina
Classification: Benign for Tibial muscular dystrophy. Last evaluated: 2018-01-13. Review status: criteria provided, single submitter. Criteria: ICSL Variant Classification Criteria 13 December 2019. Collection method: clinical testing. Allele origin: germline.
Comment: This variant was observed in the ICSL laboratory as part of a predisposition screen in an ostensibly healthy population. It had not been previously curated by ICSL or reported in the Human Gene Mutation Database (HGMD: prior to June 1st, 2018), and was therefore a candidate for classification through an automated scoring system. Utilizing variant allele frequency, disease prevalence and penetrance estimates, and inheritance mode, an automated score was calculated to assess if this variant is too frequent to cause the disease. Based on the score and internal cut-off values, a variant classified as benign is not then subjected to further curation. The score for this variant resulted in a classification of benign for this disease.

Illumina Laboratory Services, Illumina
Classification: Uncertain significance for Early-onset myopathy with fatal cardiomyopathy. Last evaluated: 2018-01-13. Review status: criteria provided, single submitter. Criteria: ICSL Variant Classification Criteria 13 December 2019. Collection method: clinical testing. Allele origin: germline.

Illumina Laboratory Services, Illumina
Classification: Likely benign for Myopathy, myofibrillar, 9, with early respiratory failure. Last evaluated: 2018-01-13. Review status: criteria provided, single submitter. Criteria: ICSL Variant Classification Criteria 13 December 2019. Collection method: clinical testing. Allele origin: germline.
Comment: This variant was observed in the ICSL laboratory as part of a predisposition screen in an ostensibly healthy population. It had not been previously curated by ICSL or reported in the Human Gene Mutation Database (HGMD: prior to June 1st, 2018), and was therefore a candidate for classification through an automated scoring system. Utilizing variant allele frequency, disease prevalence and penetrance estimates, and inheritance mode, an automated score was calculated to assess if this variant is too frequent to cause the disease. Based on the score and internal cut-off values, a variant classified as likely benign is not then subjected to further curation. The score for this variant resulted in a classification of likely benign for this disease.

Illumina Laboratory Services, Illumina
Classification: Uncertain significance for Autosomal recessive limb-girdle muscular dystrophy type 2J. Last evaluated: 2018-01-13. Review status: criteria provided, single submitter. Criteria: ICSL Variant Classification Criteria 13 December 2019. Collection method: clinical testing. Allele origin: germline.

Labcorp Genetics (formerly Invitae), Labcorp
Classification: Uncertain significance for Dilated cardiomyopathy 1G; Autosomal recessive limb-girdle muscular dystrophy type 2J. Last evaluated: 2017-11-07. Review status: criteria provided, single submitter. Criteria: Invitae Variant Classification Sherloc (09022015). Collection method: clinical testing. Allele origin: germline.

Eurofins Ntd Llc (ga)
Classification: Uncertain significance. Last evaluated: 2017-01-26. Review status: criteria provided, single submitter. Criteria: EGL Classification Definitions 2015. Collection method: clinical testing. Allele origin: germline. Observed: 7 variant alleles, 7 heterozygotes.

Laboratory for Molecular Medicine, Mass General Brigham Personalized Medicine
Classification: Likely benign. Last evaluated: 2015-02-19. Review status: criteria provided, single submitter. Criteria: LMM Criteria. Collection method: clinical testing. Allele origin: germline. Observed: 4 variant alleles.
Comment: p.Ile25482Val in exon 275 of TTN: This variant is not expected to have clinical significance due to a lack of conservation across species, including mammals. Of note, >20 species, including many mammals, have a valine (Val) at this position despite high nearby amino acid conservation. In addition, this variant has been identified in 5/11412 Latino chromosomes by the Exome Aggregation Consortium (E xAC; dbSNP rs201348580).

Biesecker Lab/Clinical Genomics Section, National Institutes of Health
Classification: Uncertain significance. Last evaluated: 2013-06-24. Review status: criteria provided, single submitter. Criteria: Ng et al. (Circ Cardiovasc Genet. 2013). Collection method: research. Allele origin: unknown. Observed: 1 variant allele. Study: ClinSeq.
Comment: The study set was not selected for affection status in relation to any cancer. Pathogenicity categories were based on literature curation. See Pubmed ID:23861362 for details.

Medical sequencing

Literature cited by the submitters: PubMed 26516846 (cited by Women's Health and Genetics/Laboratory Corporation of America, LabCorp); PubMed 30086531 (cited by Women's Health and Genetics/Laboratory Corporation of America, LabCorp and Ambry Genetics).

NM_001267550.2(TTN):c.84148A>G (p.Ile28050Val)

Genes: TTN (titin; minus strand), TTN-AS1 (TTN antisense RNA 1; plus strand). Cytogenetic location: 2q31.2.
Variant type: single nucleotide variant.
Coding change: c.84148A>G on transcript NM_001267550.2 (MANE Select); coding-DNA position 84148, A replaced by G.
Protein change: p.Ile28050Val; replaces isoleucine 28050 with valine.
Molecular consequence: missense variant.
Genome position (GRCh38, 1-based): chr2:178,561,984, T>C on the plus strand (A>G on the coding strand, the complement: TTN is on the minus strand). VCF-style: chr2-178561984-T-C. GRCh37 (hg19) VCF-style: chr2-179426711-T-C.
Other names: p.I26409V:ATA>GTA; c.79225A>G, p.Ile26409Val (NM_001256850.1); c.76444A>G, p.Ile25482Val (NM_133378.4); c.56953A>G, p.Ile18985Val (NM_003319.4); c.57328A>G, p.Ile19110Val (NM_133432.3); c.57529A>G, p.Ile19177Val (NM_133437.4); short protein forms I25482V, I28050V, I26409V, I19110V, I18985V, I19177V.
Identifiers: ClinVar variation 178183 (VCV000178183.49), dbSNP rs201348580, ClinGen allele CA181685.